The following is an entry in ClinVar:

ClinVar aggregate classification (germline): Uncertain significance. Review status: criteria provided, multiple submitters, no conflicts (2 of 4 stars). 2 submissions from 2 submitters: Uncertain significance (2). Last evaluated 2026-04-16.

Conditions:
SCAPER-related disorder. Also called: SCAPER-related condition.
Inborn genetic diseases. Identifiers: MedGen C0950123, MeSH D030342.

Allele frequency attached by ClinVar (database versions not stated): ExAC 0.00001; gnomAD exomes 0.00001; TOPMed 0.00004; gnomAD 0.00007.
gnomAD v4.1: 18 of 1,612,852 alleles (0.0011%); highest among the groups gnomAD compares: African/African-American, 0.023%; no homozygotes.

Submissions (2):

PreventionGenetics, part of Exact Sciences
Classification: Uncertain significance for SCAPER-related condition. Last evaluated: 2026-04-16. Review status: criteria provided, single submitter. Criteria: ACMG Guidelines, 2015. Collection method: clinical testing. Allele origin: germline.
Comment: The SCAPER c.740C>T variant is predicted to result in the amino acid substitution p.Pro247Leu. To our knowledge, this variant has not been reported in the literature. This variant is reported in 0.033% of alleles in individuals of African descent in gnomAD. At this time, the clinical significance of this variant is uncertain due to the absence of conclusive functional and genetic evidence.

Ambry Genetics
Classification: Uncertain significance for Inborn genetic diseases. Last evaluated: 2024-10-29. Review status: criteria provided, single submitter. Criteria: Ambry Variant Classification Scheme 2023. Collection method: clinical testing. Allele origin: germline.

NM_020843.4(SCAPER):c.740C>T (p.Pro247Leu)

Gene: SCAPER (S-phase cyclin A associated protein in the ER; minus strand). Cytogenetic location: 15q24.3.
Variant type: single nucleotide variant.
Coding change: c.740C>T on transcript NM_020843.4 (MANE Select); coding-DNA position 740, C replaced by T.
Protein change: p.Pro247Leu; replaces proline 247 with leucine.
Molecular consequence: missense variant. On other transcripts: 5 prime UTR variant (1), non-coding transcript variant (1).
Genome position (GRCh38, 1-based): chr15:76,795,312, G>A on the plus strand (C>T on the coding strand, the complement: SCAPER is on the minus strand). VCF-style: chr15-76795312-G-A. GRCh37 (hg19) VCF-style: chr15-77087653-G-A.
Other names: c.-158C>T (NM_001145923.2); c.740C>T, p.Pro247Leu (NM_001353009.2); c.338C>T, p.Pro113Leu (NM_001353010.2, NM_001353011.2, NM_001353012.2); c.740C>T (NM_001353009.1); short protein forms P247L, P113L.
Identifiers: ClinVar variation 2258329 (VCV002258329.4), dbSNP rs750071922, ClinGen allele CA7675120.